The following is an entry in ClinVar:

NM_020632.3(ATP6V0A4):c.1954C>T (p.Pro652Ser)

Gene: ATP6V0A4 (ATPase H+ transporting V0 subunit a4; minus strand). Cytogenetic location: 7q34.
Variant type: single nucleotide variant.
Coding change: c.1954C>T on transcript NM_020632.3 (MANE Select); coding-DNA position 1954, C replaced by T.
Protein change: p.Pro652Ser; replaces proline 652 with serine.
Molecular consequence: missense variant.
Genome position (GRCh38, 1-based): chr7:138,728,817, G>A on the plus strand (C>T on the coding strand, the complement: ATP6V0A4 is on the minus strand). VCF-style: chr7-138728817-G-A. GRCh37 (hg19) VCF-style: chr7-138413562-G-A.
Other names: c.1954C>T, p.Pro652Ser (NM_130840.3, NM_130841.3); short protein forms P652S.
Identifiers: ClinVar variation 3602138 (VCV003602138.3).

ClinVar aggregate classification (germline): Uncertain significance. Review status: criteria provided, multiple submitters, no conflicts (2 of 4 stars). 2 submissions from 2 submitters: Uncertain significance (2). Last evaluated 2025-09-28.

Submissions (2):

Labcorp Genetics (formerly Invitae), Labcorp
Classification: Uncertain significance. Last evaluated: 2025-09-28. Review status: criteria provided, single submitter. Criteria: Invitae Variant Classification Sherloc (09022015). Collection method: clinical testing. Allele origin: germline.
Comment: This sequence change replaces proline, which is neutral and non-polar, with serine, which is neutral and polar, at codon 652 of the ATP6V0A4 protein (p.Pro652Ser). This variant is present in population databases (no rsID available, gnomAD 0.003%). This variant has not been reported in the literature in individuals affected with ATP6V0A4-related conditions. ClinVar contains an entry for this variant (Variation ID: 3602138). Invitae Evidence Modeling of protein sequence and biophysical properties (such as structural, functional, and spatial information, amino acid conservation, physicochemical variation, residue mobility, and thermodynamic stability) indicates that this missense variant is expected to disrupt ATP6V0A4 protein function with a positive predictive value of 80%. In summary, the available evidence is currently insufficient to determine the role of this variant in disease. Therefore, it has been classified as a Variant of Uncertain Significance.

GeneDx
Classification: Uncertain significance. Last evaluated: 2024-08-01. Review status: criteria provided, single submitter. Criteria: GeneDx Variant Classification Process June 2021. Collection method: clinical testing. Allele origin: germline. Affected: yes.
Comment: Not observed at significant frequency in large population cohorts (gnomAD); In silico analysis supports that this missense variant has a deleterious effect on protein structure/function; Has not been previously published as pathogenic or benign to our knowledge